The following is an entry in ClinVar:

NM_024422.6(DSC2):c.119C>T (p.Pro40Leu)

Gene: DSC2 (desmocollin 2; minus strand). Cytogenetic location: 18q12.1.
Variant type: single nucleotide variant.
Coding change: c.119C>T on transcript NM_024422.6 (MANE Select); coding-DNA position 119, C replaced by T.
Protein change: p.Pro40Leu; replaces proline 40 with leucine.
Molecular consequence: missense variant. On other transcripts: 5 prime UTR variant (2).
Genome position (GRCh38, 1-based): chr18:31,093,594, G>A on the plus strand (C>T on the coding strand, the complement: DSC2 is on the minus strand). VCF-style: chr18-31093594-G-A. GRCh37 (hg19) VCF-style: chr18-28673557-G-A.
Other names: c.-311C>T (NM_001406506.1, NM_001406507.1); c.119C>T, p.Pro40Leu (NM_004949.5); short protein forms P40L.
Identifiers: ClinVar variation 4528258 (VCV004528258.1).

ClinVar aggregate classification (germline): Uncertain significance (1 of 4 stars; one submission).

gnomAD v4.1: 1 of 1,602,698 alleles (0.000062%); highest among the groups gnomAD compares: Non-Finnish European, 0.000085%; no homozygotes.

Submission:

GeneDx
Classification: Uncertain significance. Last evaluated: 2025-04-23. Review status: criteria provided, single submitter. Criteria: GeneDx Variant Classification Process June 2021. Collection method: clinical testing. Allele origin: germline. Affected: yes.
Comment: Not observed at significant frequency in large population cohorts (gnomAD); In silico analysis supports that this missense variant has a deleterious effect on protein structure/function; Has not been previously published as pathogenic or benign to our knowledge